The following is an entry in ClinVar:

ClinVar aggregate classification (germline): Uncertain significance. Review status: criteria provided, multiple submitters, no conflicts (2 of 4 stars). 2 submissions from 2 submitters: Uncertain significance (2). Last evaluated 2025-11-03.

Conditions:
Atrial fibrillation, familial, 14 (ATFB14). Identifiers: MedGen C3809312, MONDO:0014156, OMIM 615378.
Cardiovascular phenotype. Identifiers: MedGen CN230736.

gnomAD v4.1: 11 of 1,614,132 alleles (0.00068%); highest among the groups gnomAD compares: Non-Finnish European, 0.00076%; no homozygotes.

Submissions (2):

Labcorp Genetics (formerly Invitae), Labcorp
Classification: Uncertain significance for Atrial fibrillation, familial, 14. Last evaluated: 2025-11-03. Review status: criteria provided, single submitter. Criteria: Invitae Variant Classification Sherloc (09022015). Collection method: clinical testing. Allele origin: germline.
Comment: This sequence change replaces arginine, which is basic and polar, with cysteine, which is neutral and slightly polar, at codon 135 of the SCN2B protein (p.Arg135Cys). This variant is present in population databases (rs768191108, gnomAD 0.0009%). This variant has not been reported in the literature in individuals affected with SCN2B-related conditions. ClinVar contains an entry for this variant (Variation ID: 3316559). An algorithm developed to predict the effect of missense changes on protein structure and function (PolyPhen-2) suggests that this variant is likely to be disruptive. In summary, the available evidence is currently insufficient to determine the role of this variant in disease. Therefore, it has been classified as a Variant of Uncertain Significance.

Ambry Genetics
Classification: Uncertain significance for Cardiovascular phenotype. Last evaluated: 2024-03-24. Review status: criteria provided, single submitter. Criteria: Ambry Variant Classification Scheme 2023. Collection method: clinical testing. Allele origin: germline.
Comment: The p.R135C variant (also known as c.403C>T), located in coding exon 3 of the SCN2B gene, results from a C to T substitution at nucleotide position 403. The arginine at codon 135 is replaced by cysteine, an amino acid with highly dissimilar properties. This amino acid position is conserved. In addition, this alteration is predicted to be deleterious by in silico analysis. Based on the available evidence, the clinical significance of this alteration remains unclear.

NM_004588.5(SCN2B):c.403C>T (p.Arg135Cys)

Gene: SCN2B (sodium voltage-gated channel beta subunit 2; minus strand). Cytogenetic location: 11q23.3.
Variant type: single nucleotide variant.
Coding change: c.403C>T on transcript NM_004588.5 (MANE Select); coding-DNA position 403, C replaced by T.
Protein change: p.Arg135Cys; replaces arginine 135 with cysteine.
Molecular consequence: missense variant.
Genome position (GRCh38, 1-based): chr11:118,168,130, G>A on the plus strand (C>T on the coding strand, the complement: SCN2B is on the minus strand). VCF-style: chr11-118168130-G-A. GRCh37 (hg19) VCF-style: chr11-118038845-G-A.
Other names: short protein forms R135C.
Identifiers: ClinVar variation 3316559 (VCV003316559.2).